The following is an entry in ClinVar:

NM_001347721.2(DYRK1A):c.1072-308T>A

Gene: DYRK1A (dual specificity tyrosine phosphorylation regulated kinase 1A; plus strand). Cytogenetic location: 21q22.13.
Variant type: single nucleotide variant.
Coding change: c.1072-308T>A on transcript NM_001347721.2 (MANE Select); 308 bases into the intron before coding-DNA position 1072, T replaced by A.
Molecular consequence: intron variant.
Genome position (GRCh38, 1-based): chr21:37,495,810, T>A. VCF-style: chr21-37495810-T-A. GRCh37 (hg19) VCF-style: chr21-38868112-T-A.
Other names: c.1099-308T>A (NM_001396.5, NM_101395.2, NM_130438.2); c.1072-308T>A (NM_001347722.2, NM_130436.2); c.985-308T>A (NM_001347723.2).
Identifiers: ClinVar variation 671131 (VCV000671131.1), dbSNP rs76527453, ClinGen allele CA320456875.

ClinVar aggregate classification (germline): Benign (1 of 4 stars; one submission).

Allele frequency attached by ClinVar (database versions not stated): gnomAD 0.03842 and 0.03821; 1000 Genomes Project 0.02017; TOPMed 0.03409; 1000 Genomes Project 30x 0.01952.
gnomAD v4.1: 5,808 of 152,090 alleles (3.8%); highest among the groups gnomAD compares: Non-Finnish European, 5.5%; 181 homozygotes.

Submission:

GeneDx
Classification: Benign. Last evaluated: 2018-06-14. Review status: criteria provided, single submitter. Criteria: GeneDx Variant Classification (06012015). Collection method: clinical testing. Allele origin: germline. Affected: yes.
Comment: This variant is considered likely benign or benign based on one or more of the following criteria: it is a conservative change, it occurs at a poorly conserved position in the protein, it is predicted to be benign by multiple in silico algorithms, and/or has population frequency not consistent with disease.